The following is an entry in ClinVar:

NM_015231.3(NUP160):c.3182G>A (p.Arg1061His)

Gene: NUP160 (nucleoporin 160; minus strand). Cytogenetic location: 11p11.2.
Variant type: single nucleotide variant.
Coding change: c.3182G>A on transcript NM_015231.3 (MANE Select); coding-DNA position 3182, G replaced by A.
Protein change: p.Arg1061His; replaces arginine 1061 with histidine.
Molecular consequence: missense variant. On other transcripts: non-coding transcript variant (1).
Genome position (GRCh38, 1-based): chr11:47,797,784, C>T on the plus strand (G>A on the coding strand, the complement: NUP160 is on the minus strand). VCF-style: chr11-47797784-C-T. GRCh37 (hg19) VCF-style: chr11-47819336-C-T.
Other names: short protein forms R1061H.
Identifiers: ClinVar variation 3408662 (VCV003408662.3).

ClinVar aggregate classification (germline): Uncertain significance. Review status: criteria provided, multiple submitters, no conflicts (2 of 4 stars). 2 submissions from 2 submitters: Uncertain significance (2). Last evaluated 2025-12-26.

Conditions:
Nephrotic syndrome, type 19. Identifiers: MedGen C4748552, MONDO:0032582, OMIM 618178.

gnomAD v4.1: 46 of 1,607,442 alleles (0.0029%); highest among the groups gnomAD compares: Admixed American, 0.005%; no homozygotes.

Submissions (2):

Dasa
Classification: Uncertain significance for Nephrotic syndrome, type 19. Last evaluated: 2025-12-26. Review status: criteria provided, single submitter. Criteria: DASA Assertion Criteria. Collection method: clinical testing. Allele origin: germline.
Comment: NM_015231.3(NUP160):c.3182G>A (p.Arg1061His) is a missense variant that results in the substitution of arginine with histidine. This variant is rare in population databases. The currently available literature and clinical evidence are not sufficient to establish a definitive association between this variant and the reported condition. Therefore, this variant is classified as a variant of uncertain significance.

Ambry Genetics
Classification: Uncertain significance. Last evaluated: 2024-10-07. Review status: criteria provided, single submitter. Criteria: Ambry Variant Classification Scheme 2023. Collection method: clinical testing. Allele origin: germline.